The following is an entry in ClinVar:

ClinVar aggregate classification (germline): Uncertain significance. Review status: criteria provided, multiple submitters, no conflicts (2 of 4 stars). 9 submissions from 9 submitters: Uncertain significance (8). 1 of the submissions does not count toward it. Last evaluated 2026-01-01.

Conditions:
Hereditary cancer-predisposing syndrome. Also called: Hereditary Cancer Syndrome; Tumor predisposition; Neoplastic Syndromes, Hereditary; Hereditary neoplastic syndrome. Identifiers: Orphanet 140162, MedGen C0027672, MeSH D009386, MONDO:0015356.
Hereditary breast ovarian cancer syndrome. Also called: Breast and ovarian cancer; BRCA1- and BRCA2-Associated Hereditary Breast and Ovarian Cancer; Hereditary breast and ovarian cancer; Hereditary breast and ovarian cancer syndrome (HBOC); Hereditary breast and ovarian cancer syndrome; Hereditary breast and/or ovarian cancer syndrome. Identifiers: Orphanet 145, MedGen C0677776, MeSH D061325, MONDO:0003582. Disease mechanism: loss of function.
Breast-ovarian cancer, familial, susceptibility to, 2 (BROVCA2). Also called: BRCA2 Hereditary Breast and Ovarian Cancer. Identifiers: Orphanet 145, MedGen C2675520, MONDO:0012933, OMIM 612555. Disease mechanism: loss of function.
Familial cancer of breast. Also called: BREAST CANCER, FAMILIAL; hereditary breast carcinoma; Hereditary breast cancer. Identifiers: Orphanet 227535, MedGen C0346153, MONDO:0016419, OMIM 114480. Disease mechanism: loss of function.

Allele frequency attached by ClinVar (database versions not stated): gnomAD exomes below 0.00001; TOPMed below 0.00001.
gnomAD v4.1: 1 of 1,614,176 alleles (0.000062%); highest among the groups gnomAD compares: Non-Finnish European, 0.000085%; no homozygotes.

Submissions (9):

CeGaT Center for Human Genetics Tuebingen
Classification: Uncertain significance. Last evaluated: 2026-01-01. Review status: criteria provided, single submitter. Criteria: CeGaT Center For Human Genetics Tuebingen Variant Classification Criteria Version 2. Collection method: clinical testing. Allele origin: germline. Affected: yes. Observed: 1 variant allele.
Comment: BRCA2: PM2, BP4

Ambry Genetics
Classification: Uncertain significance for Hereditary cancer-predisposing syndrome. Last evaluated: 2025-09-02. Review status: criteria provided, single submitter. Criteria: Ambry Variant Classification Scheme 2023. Collection method: clinical testing. Allele origin: germline.
Comment: The p.D3272E variant (also known as c.9816T>G), located in coding exon 26 of the BRCA2 gene, results from a T to G substitution at nucleotide position 9816. The aspartic acid at codon 3272 is replaced by glutamic acid, an amino acid with highly similar properties. This alteration was detected in an individual diagnosed with uterine serous carcinoma (Pennington KP et al. Cancer, 2013 Jan;119:332-8). This amino acid position is highly conserved in available vertebrate species. In addition, this alteration is predicted to be tolerated by in silico analysis. Since supporting evidence is limited at this time, the clinical significance of this alteration remains unclear.

Labcorp Genetics (formerly Invitae), Labcorp
Classification: Uncertain significance for Hereditary breast ovarian cancer syndrome. Last evaluated: 2025-03-02. Review status: criteria provided, single submitter. Criteria: Invitae Variant Classification Sherloc (09022015). Collection method: clinical testing. Allele origin: germline.
Comment: This sequence change replaces aspartic acid, which is acidic and polar, with glutamic acid, which is acidic and polar, at codon 3272 of the BRCA2 protein (p.Asp3272Glu). This variant is not present in population databases (gnomAD no frequency). This missense change has been observed in individual(s) with uterine serous carcinoma (PMID: 22811390). ClinVar contains an entry for this variant (Variation ID: 52902). Invitae Evidence Modeling of protein sequence and biophysical properties (such as structural, functional, and spatial information, amino acid conservation, physicochemical variation, residue mobility, and thermodynamic stability) indicates that this missense variant is not expected to disrupt BRCA2 protein function with a negative predictive value of 95%. In summary, the available evidence is currently insufficient to determine the role of this variant in disease. Therefore, it has been classified as a Variant of Uncertain Significance.

Color Diagnostics, LLC DBA Color Health
Classification: Uncertain significance for Hereditary cancer-predisposing syndrome. Last evaluated: 2025-01-14. Review status: criteria provided, single submitter. Criteria: ACMG Guidelines, 2015. Collection method: clinical testing. Allele origin: germline.
Comment: This missense variant replaces aspartic acid with glutamic acid at codon 3272 of the BRCA2 protein. Computational prediction suggests that this variant may not impact protein structure and function. To our knowledge, functional studies have not been reported for this variant. This variant has been reported in an individual affected with uterine serous carcinoma (PMID: 22811390) and in a multifactorial analysis with co-occurrence and family history likelihood ratios for pathogenicity of 1.0246 and 1.6256, respectively (PMID: 31131967). This variant has not been identified in the general population by the Genome Aggregation Database (gnomAD). The available evidence is insufficient to determine the role of this variant in disease conclusively. Therefore, this variant is classified as a Variant of Uncertain Significance.

Baylor Genetics
Classification: Uncertain significance for Familial cancer of breast. Last evaluated: 2024-02-18. Review status: criteria provided, single submitter. Criteria: ACMG Guidelines, 2015. Collection method: clinical testing. Allele origin: unknown.

All of Us Research Program, National Institutes of Health
Classification: Uncertain significance for Breast-ovarian cancer, familial, susceptibility to, 2. Last evaluated: 2023-12-15. Review status: criteria provided, single submitter. Criteria: ACMG Guidelines, 2015. Collection method: clinical testing. Allele origin: germline. Inheritance: Autosomal dominant inheritance. Observed: 2 variant alleles, 2 heterozygotes.
Comment: This missense variant replaces aspartic acid with glutamic acid at codon 3272 of the BRCA2 protein. Computational prediction suggests that this variant may not impact protein structure and function (internally defined REVEL score threshold <= 0.5, PMID: 27666373). To our knowledge, functional studies have not been reported for this variant. This variant has been reported in an individual affected with uterine serous carcinoma (PMID: 22811390) and in a multifactorial analysis with co-occurrence and family history likelihood ratios for pathogenicity of 1.0246 and 1.6256, respectively (PMID: 31131967). This variant has not been identified in the general population by the Genome Aggregation Database (gnomAD). The available evidence is insufficient to determine the role of this variant in disease conclusively. Therefore, this variant is classified as a Variant of Uncertain Significance.

This study involves interpretation of variants in research participants for the purpose of population health screening. Participant phenotype was not available at the time of variant classification. Additional details can be found in publication PMID: 35346344, PMCID: PMC8962531

Mayo Clinic Laboratories, Mayo Clinic
Classification: Uncertain significance. Last evaluated: 2022-08-08. Review status: criteria provided, single submitter. Criteria: ACMG Guidelines, 2015. Collection method: clinical testing. Allele origin: germline. Observed: 1 variant allele.
Comment: BP4, PM2

Quest Diagnostics Nichols Institute San Juan Capistrano
Classification: Uncertain significance. Last evaluated: 2019-05-27. Review status: criteria provided, single submitter. Criteria: Quest Diagnostics criteria. Collection method: clinical testing. Allele origin: germline.

Breast Cancer Information Core (BIC) (BRCA2)
Classification: Uncertain significance for Breast-ovarian cancer, familial 2. Last evaluated: 2004-02-20. Review status: no assertion criteria provided. Collection method: clinical testing. Allele origin: germline. Affected: yes. Observed: 1 variant allele. Not counted in ClinVar's aggregate classification.

Literature cited by the submitters: PubMed 22811390 (cited by 5 submitters); PubMed 31131967 (cited by Color Diagnostics, LLC DBA Color Health and All of Us Research Program, National Institutes of Health).

NM_000059.4(BRCA2):c.9816T>G (p.Asp3272Glu)

Gene: BRCA2 (BRCA2 DNA repair associated; plus strand). Cytogenetic location: 13q13.1.
Variant type: single nucleotide variant.
Coding change: c.9816T>G on transcript NM_000059.4 (MANE Select); coding-DNA position 9816, T replaced by G.
Protein change: p.Asp3272Glu; replaces aspartic acid 3272 with glutamic acid.
Molecular consequence: missense variant.
Genome position (GRCh38, 1-based): chr13:32,398,329, T>G. VCF-style: chr13-32398329-T-G. GRCh37 (hg19) VCF-style: chr13-32972466-T-G.
Other names: p.Asp3272Glu; short protein forms D3272E.
Identifiers: ClinVar variation 52902 (VCV000052902.24), dbSNP rs56111359, ClinGen allele CA026303.